The following is an entry in ClinVar:

NM_032444.4(SLX4):c.1748G>C (p.Arg583Thr)

Gene: SLX4 (SLX4 structure-specific endonuclease subunit; minus strand). Cytogenetic location: 16p13.3.
Variant type: single nucleotide variant.
Coding change: c.1748G>C on transcript NM_032444.4 (MANE Select); coding-DNA position 1748, G replaced by C.
Protein change: p.Arg583Thr; replaces arginine 583 with threonine.
Molecular consequence: missense variant.
Genome position (GRCh38, 1-based): chr16:3,596,329, C>G on the plus strand (G>C on the coding strand, the complement: SLX4 is on the minus strand). VCF-style: chr16-3596329-C-G. GRCh37 (hg19) VCF-style: chr16-3646330-C-G.
Other names: short protein forms R583T.
Identifiers: ClinVar variation 3013614 (VCV003013614.3), dbSNP rs750768695, ClinGen allele CA7866419.

ClinVar aggregate classification (germline): Uncertain significance (1 of 4 stars; one submission).

Conditions:
Fanconi anemia (FA). Also called: Fanconi's anemia. Identifiers: Orphanet 84, MedGen C0015625, MeSH D005199, MONDO:0019391.

Allele frequency attached by ClinVar (database versions not stated): TOPMed below 0.00001.
gnomAD v4.1: 9 of 1,587,842 alleles (0.00057%); highest among the groups gnomAD compares: Middle Eastern, 0.017%; no homozygotes.

Submission:

Labcorp Genetics (formerly Invitae), Labcorp
Classification: Uncertain significance for Fanconi anemia. Last evaluated: 2025-12-16. Review status: criteria provided, single submitter. Criteria: Invitae Variant Classification Sherloc (09022015). Collection method: clinical testing. Allele origin: germline.
Comment: This sequence change replaces arginine, which is basic and polar, with threonine, which is neutral and polar, at codon 583 of the SLX4 protein (p.Arg583Thr). This variant is present in population databases (rs750768695, gnomAD 0.001%). This variant has not been reported in the literature in individuals affected with SLX4-related conditions. ClinVar contains an entry for this variant (Variation ID: 3013614). An algorithm developed to predict the effect of missense changes on protein structure and function outputs the following: PolyPhen-2: "Benign". The threonine amino acid residue is found in multiple mammalian species, which suggests that this missense change does not adversely affect protein function. In summary, the available evidence is currently insufficient to determine the role of this variant in disease. Therefore, it has been classified as a Variant of Uncertain Significance.